The following is an entry in ClinVar:

NM_000142.5(FGFR3):c.1959C>A (p.Asn653Lys)

Gene: FGFR3 (fibroblast growth factor receptor 3; plus strand). Cytogenetic location: 4p16.3.
Variant type: single nucleotide variant.
Coding change: c.1959C>A on transcript NM_000142.5 (MANE Select); coding-DNA position 1959, C replaced by A.
Protein change: p.Asn653Lys; replaces asparagine 653 with lysine.
Molecular consequence: missense variant. On other transcripts: non-coding transcript variant (1).
Genome position (GRCh38, 1-based): chr4:1,806,173, C>A. VCF-style: chr4-1806173-C-A. GRCh37 (hg19) VCF-style: chr4-1807900-C-A.
Other names: c.1965C>A, p.Asn655Lys (NM_001163213.2); c.1962C>A, p.Asn654Lys (NM_001354809.2, NM_001354810.2); c.1623C>A, p.Asn541Lys (NM_022965.4); short protein forms N541K, N653K, N654K, N655K.
Identifiers: ClinVar variation 4857797 (VCV004857797.1).

ClinVar aggregate classification (germline): Uncertain significance (1 of 4 stars; one submission).

Conditions:
FGFR3-related chondrodysplasia. Identifiers: Orphanet 93420, MedGen C5681604, MONDO:0019685.

gnomAD v4.1: 1 of 1,612,750 alleles (0.000062%); highest among the groups gnomAD compares: Non-Finnish European, 0.000085%; no homozygotes.

Submission:

Genomenon, Inc
Classification: Uncertain significance for FGFR3-related chondrodysplasia. Last evaluated: 2026-06-23. Review status: criteria provided, single submitter. Criteria: Genomenon Sequence Variant Interpretation Standards - Updated. Collection method: curation. Allele origin: germline. Affected: no.
Comment: FGFR3 p.Asn653Lys (c.1959C>A) is a missense variant that changes the amino acid at codon 653 from Asparagine to Lysine. This variant has been reported in the published literature (PMID:38307035). It is absent or not present at a significant frequency in gnomAD. In conclusion, we classify FGFR3 p.Asn653Lys (c.1959C>A) as a variant of uncertain significance.

Literature cited by the submitters: PubMed 38307035.